The following is an entry in ClinVar:

ClinVar aggregate classification (germline): Likely pathogenic (1 of 4 stars; one submission).

Conditions:
Holoprosencephaly 3 (HPE3). Identifiers: Orphanet 2162, MedGen C1840529, MONDO:0007733, OMIM 142945.

Submission:

Laboratory of Molecular Genetics, CHU Rennes
Classification: Likely pathogenic for Holoprosencephaly 3. Last evaluated: 2025-02-27. Review status: criteria provided, single submitter. Criteria: ACMG Guidelines, 2015. Collection method: clinical testing. Allele origin: de novo. Inheritance: Autosomal dominant inheritance. Affected: yes.
Comment: The NM_000193.4:c.1061T>C, is a missense variant in SHH in the Hint domain (PM1), absent from controls (PM2), predicted pathogenic by prediction tools (PP3) and occurred de novo (PS2). In summary, this variant meets criteria to be classified as likely pathogenic for holoprosencephaly based on the ACMG criteria applied.

NM_000193.4(SHH):c.1061T>C (p.Ile354Thr)

Gene: SHH (sonic hedgehog signaling molecule; minus strand). Cytogenetic location: 7q36.3.
Variant type: single nucleotide variant.
Coding change: c.1061T>C on transcript NM_000193.4 (MANE Select); coding-DNA position 1061, T replaced by C.
Protein change: p.Ile354Thr; replaces isoleucine 354 with threonine.
Molecular consequence: missense variant. On other transcripts: intron variant (1).
Genome position (GRCh38, 1-based): chr7:155,803,228, A>G on the plus strand (T>C on the coding strand, the complement: SHH is on the minus strand). VCF-style: chr7-155803228-A-G. GRCh37 (hg19) VCF-style: chr7-155595922-A-G.
Other names: c.302-2983T>C (NM_001310462.2); short protein forms I354T.
Identifiers: ClinVar variation 3775140 (VCV003775140.1).